The following is an entry in ClinVar:

NM_001754.5(RUNX1):c.659C>A (p.Ser220Tyr)

Gene: RUNX1 (RUNX family transcription factor 1; minus strand). Cytogenetic location: 21q22.12.
Variant type: single nucleotide variant.
Coding change: c.659C>A on transcript NM_001754.5 (MANE Select); coding-DNA position 659, C replaced by A.
Protein change: p.Ser220Tyr; replaces serine 220 with tyrosine.
Molecular consequence: missense variant.
Genome position (GRCh38, 1-based): chr21:34,834,556, G>T on the plus strand (C>A on the coding strand, the complement: RUNX1 is on the minus strand). VCF-style: chr21-34834556-G-T. GRCh37 (hg19) VCF-style: chr21-36206853-G-T.
Other names: c.578C>A, p.Ser193Tyr (NM_001001890.3, NM_001122607.2); short protein forms S193Y, S220Y.
Identifiers: ClinVar variation 5028580 (VCV005028580.1).

ClinVar aggregate classification (germline): Uncertain significance (1 of 4 stars; one submission).

Conditions:
Inborn genetic diseases. Identifiers: MedGen C0950123, MeSH D030342.

Submission:

Ambry Genetics
Classification: Uncertain significance for Inborn genetic diseases. Last evaluated: 2026-07-07. Review status: criteria provided, single submitter. Criteria: Ambry Variant Classification Scheme 2023. Collection method: clinical testing. Allele origin: germline.
Comment: The p.S220Y variant (also known as c.659C>A), located in coding exon 6 of the RUNX1 gene, results from a C to A substitution at nucleotide position 659. The serine at codon 220 is replaced by tyrosine, an amino acid with dissimilar properties. This amino acid position is conserved. In addition, this alteration is predicted to be deleterious by in silico analysis. Based on the available evidence, the clinical significance of this variant remains unclear.